The following is an entry in ClinVar:

NM_015271.5(TRIM2):c.345C>A (p.Asp115Glu)

Gene: TRIM2 (tripartite motif containing 2; plus strand). Cytogenetic location: 4q31.3.
Variant type: single nucleotide variant.
Coding change: c.345C>A on transcript NM_015271.5 (MANE Select); coding-DNA position 345, C replaced by A.
Protein change: p.Asp115Glu; replaces aspartic acid 115 with glutamic acid.
Molecular consequence: missense variant. On other transcripts: 5 prime UTR variant (1).
Genome position (GRCh38, 1-based): chr4:153,276,022, C>A. VCF-style: chr4-153276022-C-A. GRCh37 (hg19) VCF-style: chr4-154197174-C-A.
Other names: c.264C>A, p.Asp88Glu (NM_001130067.2, NM_001375512.1, NM_001375513.1 and 5 more transcripts); c.342C>A, p.Asp114Glu (NM_001375491.1, NM_001375520.1, NM_001302693.2 and 1 more transcripts); c.345C>A, p.Asp115Glu (NM_001375519.1, NM_001302692.2, NM_001375488.1 and 1 more transcripts); c.318C>A, p.Asp106Glu (NM_001302694.2, NM_001351054.2); c.315C>A, p.Asp105Glu (NM_001351055.2); c.-213C>A (NM_001351057.2); c.6C>A, p.Asp2Glu (NM_001375522.1, NM_001375523.1, NM_001375525.1); short protein forms D105E, D106E, D114E, D115E, D2E, D88E.
Identifiers: ClinVar variation 3614506 (VCV003614506.2).
Genomic context (GRCh38, chr4:153,276,022, plus strand): 5'-CCTGCCCGAGAAAGGGGTGGCCGCGCTCCAGAACAATTTCTTCATCACAAACCTGATGGA[C>A]GTGCTGCAGCGAACTCCAGGCAGCAACGCTGAGGAGTCTTCCATCCTGGAGACAGTCACT-3'
Protein context (NP_056086.2, residues 105-125): QNNFFITNLM[Asp115Glu]VLQRTPGSNA

ClinVar aggregate classification (germline): Uncertain significance (1 of 4 stars; one submission).

Conditions:
Charcot-Marie-Tooth disease type 2R. Also called: CHARCOT-MARIE-TOOTH DISEASE, AXONAL, AUTOSOMAL RECESSIVE, TYPE 2R; Charcot-Marie-Tooth disease, axonal, type 2R; CHARCOT-MARIE-TOOTH NEUROPATHY, TYPE 2R. Identifiers: Orphanet 397968, MedGen C3809655, MONDO:0014208, OMIM 615490.

gnomAD v4.1: 2 of 1,614,230 alleles (0.00012%); highest among the groups gnomAD compares: Non-Finnish European, 0.00017%; no homozygotes.

Submission:

Labcorp Genetics (formerly Invitae), Labcorp
Classification: Uncertain significance for Charcot-Marie-Tooth disease type 2R. Last evaluated: 2024-06-21. Review status: criteria provided, single submitter. Criteria: Invitae Variant Classification Sherloc (09022015). Collection method: clinical testing. Allele origin: germline.
Comment: This sequence change replaces aspartic acid, which is acidic and polar, with glutamic acid, which is acidic and polar, at codon 88 of the TRIM2 protein (p.Asp88Glu). This variant is present in population databases (no rsID available, gnomAD 0.002%). This variant has not been reported in the literature in individuals affected with TRIM2-related conditions. An algorithm developed to predict the effect of missense changes on protein structure and function (PolyPhen-2) suggests that this variant is likely to be tolerated. In summary, the available evidence is currently insufficient to determine the role of this variant in disease. Therefore, it has been classified as a Variant of Uncertain Significance.